The following is an entry in ClinVar:

NM_018109.4(MTPAP):c.29C>G (p.Thr10Ser)

Genes: MTPAP (mitochondrial poly(A) polymerase; minus strand), LOC130003598 (ATAC-STARR-seq lymphoblastoid active region 3207; plus strand). Cytogenetic location: 10p11.23.
Variant type: single nucleotide variant.
Coding change: c.29C>G on transcript NM_018109.4 (MANE Select); coding-DNA position 29, C replaced by G.
Protein change: p.Thr10Ser; replaces threonine 10 with serine.
Molecular consequence: missense variant.
Genome position (GRCh38, 1-based): chr10:30,349,247, G>C on the plus strand (C>G on the coding strand, the complement: MTPAP is on the minus strand). VCF-style: chr10-30349247-G-C. GRCh37 (hg19) VCF-style: chr10-30638176-G-C.
Other names: short protein forms T10S.
Identifiers: ClinVar variation 2022712 (VCV002022712.4), dbSNP rs1834906462, ClinGen allele CA376429995.

ClinVar aggregate classification (germline): Uncertain significance (1 of 4 stars; one submission).

Submission:

Labcorp Genetics (formerly Invitae), Labcorp
Classification: Uncertain significance. Last evaluated: 2024-01-24. Review status: criteria provided, single submitter. Criteria: Invitae Variant Classification Sherloc (09022015). Collection method: clinical testing. Allele origin: germline.
Comment: This sequence change replaces threonine, which is neutral and polar, with serine, which is neutral and polar, at codon 10 of the MTPAP protein (p.Thr10Ser). This variant is not present in population databases (gnomAD no frequency). This variant has not been reported in the literature in individuals affected with MTPAP-related conditions. ClinVar contains an entry for this variant (Variation ID: 2022712). Algorithms developed to predict the effect of missense changes on protein structure and function output the following: SIFT: "Not Available"; PolyPhen-2: "Benign"; Align-GVGD: "Not Available". The serine amino acid residue is found in multiple mammalian species, which suggests that this missense change does not adversely affect protein function. In summary, the available evidence is currently insufficient to determine the role of this variant in disease. Therefore, it has been classified as a Variant of Uncertain Significance.